The following is an entry in ClinVar:

NM_014915.3(ANKRD26):c.3384G>A (p.Lys1128=)

Gene: ANKRD26 (ankyrin repeat domain 26; minus strand). Cytogenetic location: 10p12.1.
Variant type: single nucleotide variant.
Coding change: c.3384G>A on transcript NM_014915.3 (MANE Select); coding-DNA position 3384, G replaced by A.
Protein change: p.Lys1128=; no amino-acid change (lysine 1128 retained).
Molecular consequence: synonymous variant.
Genome position (GRCh38, 1-based): chr10:27,035,066, C>T on the plus strand (G>A on the coding strand, the complement: ANKRD26 is on the minus strand). VCF-style: chr10-27035066-C-T. GRCh37 (hg19) VCF-style: chr10-27323995-C-T.
Other names: p.Lys1128=; c.3381G>A, p.Lys1127= (NM_001256053.2).
Identifiers: ClinVar variation 260465 (VCV000260465.19), dbSNP rs41299210, ClinGen allele CA5448049.

ClinVar aggregate classification (germline): Benign/Likely benign. Review status: criteria provided, multiple submitters, no conflicts (2 of 4 stars). 10 submissions from 10 submitters: Benign (5); Likely benign (4). 1 of the submissions does not count toward it. Last evaluated 2026-02-04.

Conditions:
Thrombocytopenia 2 (THC2). Also called: ANKRD26-Related Thrombocytopenia. Identifiers: Orphanet 268322, MedGen C1861185, MONDO:0008555, OMIM 188000.

Allele frequency attached by ClinVar (database versions not stated): 1000 Genomes Project 0.01098; 1000 Genomes Project 30x 0.01171; TOPMed 0.01407; gnomAD 0.01449 and 0.01471; ExAC 0.01739; ESP Exome Variant Server 0.01743; gnomAD exomes 0.01750 and 0.02342.
gnomAD v4.1: 36,312 of 1,613,328 alleles (2.3%); highest among the groups gnomAD compares: Non-Finnish European, 2.5%; 517 homozygotes.

Submissions (10):

Labcorp Genetics (formerly Invitae), Labcorp
Classification: Benign. Last evaluated: 2026-02-04. Review status: criteria provided, single submitter. Criteria: Invitae Variant Classification Sherloc (09022015). Collection method: clinical testing. Allele origin: germline.

Mayo Clinic Laboratories, Mayo Clinic
Classification: Likely benign. Last evaluated: 2025-07-29. Review status: criteria provided, single submitter. Criteria: ACMG Guidelines, 2015. Collection method: clinical testing. Allele origin: germline. Observed: 35 variant alleles.
Comment: BS1, BP4, BP7

ARUP Laboratories, Molecular Genetics and Genomics, ARUP Laboratories
Classification: Benign for Thrombocytopenia 2. Last evaluated: 2025-04-15. Review status: criteria provided, single submitter. Criteria: ARUP Molecular Germline Variant Investigation Process 2024. Collection method: clinical testing. Allele origin: germline.

Blueprint Genetics
Classification: Likely benign. Last evaluated: 2024-11-26. Review status: criteria provided, single submitter. Criteria: ACMG Guidelines, 2015. Collection method: clinical testing. Allele origin: germline.

Genome-Nilou Lab
Classification: Benign for Thrombocytopenia 2. Last evaluated: 2021-12-05. Review status: criteria provided, single submitter. Criteria: ACMG Guidelines, 2015. Collection method: clinical testing. Allele origin: germline. Affected: no.

GeneDx
Classification: Likely benign. Last evaluated: 2020-12-24. Review status: criteria provided, single submitter. Criteria: GeneDx Variant Classification Process June 2021. Collection method: clinical testing. Allele origin: germline. Affected: yes.

Illumina Laboratory Services, Illumina
Classification: Benign for Thrombocytopenia 2. Last evaluated: 2018-01-13. Review status: criteria provided, single submitter. Criteria: ICSL Variant Classification Criteria 13 December 2019. Collection method: clinical testing. Allele origin: germline.
Comment: This variant was observed in the ICSL laboratory as part of a predisposition screen in an ostensibly healthy population. It had not been previously curated by ICSL or reported in the Human Gene Mutation Database (HGMD: prior to June 1st, 2018), and was therefore a candidate for classification through an automated scoring system. Utilizing variant allele frequency, disease prevalence and penetrance estimates, and inheritance mode, an automated score was calculated to assess if this variant is too frequent to cause the disease. Based on the score and internal cut-off values, a variant classified as benign is not then subjected to further curation. The score for this variant resulted in a classification of benign for this disease.

PreventionGenetics, part of Exact Sciences
Classification: Benign. Last evaluated: 2016-04-06. Review status: criteria provided, single submitter. Criteria: ACMG Guidelines, 2015. Collection method: clinical testing. Allele origin: germline.

Breakthrough Genomics
Classification: Likely benign. Review status: criteria provided, single submitter. Criteria: ACMG Guidelines, 2015. Collection method: not provided. Allele origin: germline. Inheritance: Autosomal dominant inheritance. Affected: yes.

Department of Pathology and Laboratory Medicine, Sinai Health System
Classification: Uncertain significance. Review status: no assertion criteria provided. Collection method: clinical testing. Allele origin: unknown. Affected: yes. Study: The Canadian Open Genetics Repository (COGR). Not counted in ClinVar's aggregate classification.
Comment: Variant was observed in a homozygous state in population databases more than expected for disease.Allele frequency is greater than expected for the disorder.A synonymous variant not located in a splice region.SubpopulationAllele FrequencyAllele NumberHomozygotesEuropean-Non Finnish (NFE)2.1788%112,95234European-Finnish (FIN)1.3103%21,44610Other (OTH)2.0923%6,0222Ashkenazi Jewish (ASJ)3.7685%10,00416African (AFR)0.5299%15,4740East Asian (EAS)0.0278%17,9600South Asian (SAS)2.4931%30,36436American (AMR)0.7595%34,3662